The following is an entry in ClinVar:

NM_000293.3(PHKB):c.1089T>A (p.Cys363Ter)

Gene: PHKB (phosphorylase kinase regulatory subunit beta; plus strand). Cytogenetic location: 16q12.1.
Variant type: single nucleotide variant.
Coding change: c.1089T>A on transcript NM_000293.3 (MANE Select); coding-DNA position 1089, T replaced by A.
Protein change: p.Cys363Ter; replaces cysteine 363 with a stop codon.
Molecular consequence: nonsense.
Genome position (GRCh38, 1-based): chr16:47,593,520, T>A. VCF-style: chr16-47593520-T-A. GRCh37 (hg19) VCF-style: chr16-47627431-T-A.
Other names: c.1068T>A, p.Cys356Ter (NM_001031835.3); c.1089T>A, p.Cys363Ter (NM_001363837.1); short protein forms C356*, C363*.
Identifiers: ClinVar variation 2772728 (VCV002772728.3), dbSNP rs1972066901, ClinGen allele CA395797712.
Genomic context (GRCh38, chr16:47,593,520, plus strand): 5'-ATTGTTAGTGTAAAATTTAATGTTTTATTTTCTGTTTTAGCTATTTGATGGCATTGAATG[T>A]GAATTTCCCATATTTTTCCTTTATATGATGATTGATGGTAAGTAAGCTTTTTCCTGAAAT-3'

ClinVar aggregate classification (germline): Pathogenic (1 of 4 stars; one submission).

Conditions:
Glycogen storage disease IXb (GSD9B). Also called: GLYCOGENOSIS OF LIVER AND MUSCLE, AUTOSOMAL RECESSIVE; GSD IXb; PHOSPHORYLASE KINASE DEFICIENCY OF LIVER AND MUSCLE, AUTOSOMAL RECESSIVE. Identifiers: Orphanet 79240, MedGen C0543514, MONDO:0009868, OMIM 261750.

Submission:

Labcorp Genetics (formerly Invitae), Labcorp
Classification: Pathogenic for Glycogen storage disease IXb. Last evaluated: 2023-10-29. Review status: criteria provided, single submitter. Criteria: Invitae Variant Classification Sherloc (09022015). Collection method: clinical testing. Allele origin: germline.
Comment: This sequence change creates a premature translational stop signal (p.Cys363*) in the PHKB gene. It is expected to result in an absent or disrupted protein product. Loss-of-function variants in PHKB are known to be pathogenic (PMID: 9215682, 9326319). This variant is not present in population databases (gnomAD no frequency). This variant has not been reported in the literature in individuals affected with PHKB-related conditions. For these reasons, this variant has been classified as Pathogenic.

Literature cited by the submitters: PubMed 9215682; PubMed 9326319.